The following is an entry in ClinVar:

ClinVar aggregate classification (germline): Uncertain significance (1 of 4 stars; one submission).

Conditions:
Autosomal recessive distal spinal muscular atrophy 1. Also called: HMN VI; NEURONOPATHY, SEVERE INFANTILE AXONAL, WITH RESPIRATORY FAILURE; NEURONOPATHY, DISTAL HEREDITARY MOTOR, HARDING TYPE VI; NEUROPATHY, DISTAL HEREDITARY MOTOR, AUTOSOMAL RECESSIVE 1; SEVERE INFANTILE AXONAL NEUROPATHY WITH RESPIRATORY FAILURE; SPINAL MUSCULAR ATROPHY, DIAPHRAGMATIC. Identifiers: Orphanet 98920, MedGen C1858517, MONDO:0011436, OMIM 604320.
Charcot-Marie-Tooth disease axonal type 2S. Also called: CHARCOT-MARIE-TOOTH DISEASE, AXONAL, AUTOSOMAL RECESSIVE, TYPE 2S; CHARCOT-MARIE-TOOTH NEUROPATHY, TYPE 2S. Identifiers: Orphanet 443073, MedGen C4015349, MONDO:0014511, OMIM 616155.

Allele frequency attached by ClinVar (database versions not stated): gnomAD 0.00001; TOPMed 0.00001; gnomAD exomes 0.00002; ExAC 0.00003.
gnomAD v4.1: 26 of 1,613,954 alleles (0.0016%); highest among the groups gnomAD compares: East Asian, 0.011%; no homozygotes.

Submission:

Labcorp Genetics (formerly Invitae), Labcorp
Classification: Uncertain significance for Autosomal recessive distal spinal muscular atrophy 1; Charcot-Marie-Tooth disease axonal type 2S. Last evaluated: 2022-05-25. Review status: criteria provided, single submitter. Criteria: Invitae Variant Classification Sherloc (09022015). Collection method: clinical testing. Allele origin: germline.
Comment: This sequence change replaces arginine, which is basic and polar, with glutamine, which is neutral and polar, at codon 757 of the IGHMBP2 protein (p.Arg757Gln). This variant is present in population databases (rs776484269, gnomAD 0.03%). This missense change has been observed in individual(s) with clinical features of hereditary motor neuropathy (PMID: 24022109). Advanced modeling of protein sequence and biophysical properties (such as structural, functional, and spatial information, amino acid conservation, physicochemical variation, residue mobility, and thermodynamic stability) performed at Invitae indicates that this missense variant is not expected to disrupt IGHMBP2 protein function. In summary, the available evidence is currently insufficient to determine the role of this variant in disease. Therefore, it has been classified as a Variant of Uncertain Significance.

Literature cited by the submitters: PubMed 24022109.

NM_002180.3(IGHMBP2):c.2270G>A (p.Arg757Gln)

Gene: IGHMBP2 (immunoglobulin mu DNA binding protein 2; plus strand). Cytogenetic location: 11q13.3.
Variant type: single nucleotide variant.
Coding change: c.2270G>A on transcript NM_002180.3 (MANE Select); coding-DNA position 2270, G replaced by A.
Protein change: p.Arg757Gln; replaces arginine 757 with glutamine.
Molecular consequence: missense variant.
Genome position (GRCh38, 1-based): chr11:68,936,750, G>A. VCF-style: chr11-68936750-G-A. GRCh37 (hg19) VCF-style: chr11-68704218-G-A.
Other names: short protein forms R757Q.
Identifiers: ClinVar variation 1919380 (VCV001919380.2), dbSNP rs776484269, ClinGen allele CA6153872.